The following is an entry in ClinVar:

NM_000057.4(BLM):c.124T>C (p.Ser42Pro)

Gene: BLM (BLM RecQ like helicase; plus strand). Cytogenetic location: 15q26.1.
Variant type: single nucleotide variant.
Coding change: c.124T>C on transcript NM_000057.4 (MANE Select); coding-DNA position 124, T replaced by C.
Protein change: p.Ser42Pro; replaces serine 42 with proline.
Molecular consequence: missense variant. On other transcripts: 5 prime UTR variant (1).
Genome position (GRCh38, 1-based): chr15:90,749,392, T>C. VCF-style: chr15-90749392-T-C. GRCh37 (hg19) VCF-style: chr15-91292622-T-C.
Other names: c.124T>C (LRG_20t1); c.124T>C, p.Ser42Pro (NM_001287246.2, NM_001287247.2); c.-1168T>C (NM_001287248.2); short protein forms S42P.
Identifiers: ClinVar variation 485327 (VCV000485327.20), dbSNP rs1291378382, ClinGen allele CA393839378.

ClinVar aggregate classification (germline): Uncertain significance. Review status: criteria provided, multiple submitters, no conflicts (2 of 4 stars). 6 submissions from 6 submitters: Uncertain significance (5). 1 of the submissions does not count toward it. Last evaluated 2025-09-08.

Conditions:
Hereditary cancer-predisposing syndrome. Also called: Neoplastic Syndromes, Hereditary; Tumor predisposition; Hereditary Cancer Syndrome; Hereditary neoplastic syndrome. Identifiers: Orphanet 140162, MedGen C0027672, MeSH D009386, MONDO:0015356.
Bloom syndrome (BLM). Also called: Bloom-Torre-Machacek syndrome. Identifiers: Orphanet 125, MedGen C0005859, MONDO:0008876, OMIM 210900.

Allele frequency attached by ClinVar (database versions not stated): gnomAD exomes 0.00001 and 0.00002; TOPMed 0.00001.
gnomAD v4.1: 7 of 1,605,146 alleles (0.00044%); highest among the groups gnomAD compares: Admixed American, 0.012%; no homozygotes.

Submissions (6):

Labcorp Genetics (formerly Invitae), Labcorp
Classification: Uncertain significance for Bloom syndrome. Last evaluated: 2025-09-08. Review status: criteria provided, single submitter. Criteria: Invitae Variant Classification Sherloc (09022015). Collection method: clinical testing. Allele origin: germline.
Comment: This sequence change replaces serine, which is neutral and polar, with proline, which is neutral and non-polar, at codon 42 of the BLM protein (p.Ser42Pro). This variant is present in population databases (no rsID available, gnomAD 0.02%). This variant has not been reported in the literature in individuals affected with BLM-related conditions. ClinVar contains an entry for this variant (Variation ID: 485327). An algorithm developed to predict the effect of missense changes on protein structure and function outputs the following: PolyPhen-2: "Benign". The proline amino acid residue is found in multiple mammalian species, which suggests that this missense change does not adversely affect protein function. In summary, the available evidence is currently insufficient to determine the role of this variant in disease. Therefore, it has been classified as a Variant of Uncertain Significance.

GeneDx
Classification: Uncertain significance. Last evaluated: 2024-10-13. Review status: criteria provided, single submitter. Criteria: GeneDx Variant Classification Process June 2021. Collection method: clinical testing. Allele origin: germline. Affected: yes.
Comment: Not observed at significant frequency in large population cohorts (gnomAD); In silico analysis indicates that this missense variant does not alter protein structure/function; Has not been previously published as pathogenic or benign to our knowledge

Fulgent Genetics
Classification: Uncertain significance for Bloom syndrome. Last evaluated: 2024-06-19. Review status: criteria provided, single submitter. Criteria: ACMG Guidelines, 2015. Collection method: clinical testing. Allele origin: germline.

Ambry Genetics
Classification: Uncertain significance for Hereditary cancer-predisposing syndrome. Last evaluated: 2023-12-14. Review status: criteria provided, single submitter. Criteria: Ambry Variant Classification Scheme 2023. Collection method: clinical testing. Allele origin: germline.
Comment: The p.S42P variant (also known as c.124T>C), located in coding exon 2 of the BLM gene, results from a T to C substitution at nucleotide position 124. The serine at codon 42 is replaced by proline, an amino acid with similar properties. This amino acid position is not well conserved in available vertebrate species. In addition, this alteration is predicted to be tolerated by in silico analysis. Since supporting evidence is limited at this time, the clinical significance of this alteration remains unclear.

Quest Diagnostics Nichols Institute San Juan Capistrano
Classification: Uncertain significance. Last evaluated: 2022-10-21. Review status: criteria provided, single submitter. Criteria: Quest Diagnostics criteria. Collection method: clinical testing. Allele origin: unknown.
Comment: The variant has not been reported in the published literature. The frequency of this variant in the general population, 0.00015 (5/34214 chromosomes), is uninformative in assessment of its pathogenicity. Analysis of this variant using bioinformatics tools for the prediction of the effect of amino acid changes on protein structure and function yielded predictions that this variant is benign. Based on the available information, we are unable to determine the clinical significance of this variant.

Natera, Inc.
Classification: Uncertain significance for Bloom syndrome. Last evaluated: 2018-10-24. Review status: no assertion criteria provided. Collection method: clinical testing. Allele origin: germline. Not counted in ClinVar's aggregate classification.